The following is an entry in ClinVar:

ClinVar aggregate classification (germline): Benign (1 of 4 stars; one submission).

gnomAD v4.1: 11,164 of 1,060,570 alleles (1.1%); highest among the groups gnomAD compares: Middle Eastern, 3.3%; 80 homozygotes.

Submission:

CeGaT Center for Human Genetics Tuebingen
Classification: Benign. Last evaluated: 2026-09-01. Review status: criteria provided, single submitter. Criteria: CeGaT Center For Human Genetics Tuebingen Variant Classification Criteria Version 2. Collection method: clinical testing. Allele origin: germline. Affected: yes. Observed: 5 variant alleles.
Comment: RAD51B: BS1, BS2

NM_001321809.2(RAD51B):c.1037-7438T>C

Gene: RAD51B (RAD51 paralog B; plus strand). Cytogenetic location: 14q24.1.
Variant type: single nucleotide variant.
Coding change: c.1037-7438T>C on transcript NM_001321809.2; 7438 bases into the intron before coding-DNA position 1037, T replaced by C.
Molecular consequence: intron variant. On other transcripts: 3 prime UTR variant (1).
Genome position (GRCh38, 1-based): chr14:68,595,225, T>C. VCF-style: chr14-68595225-T-C. GRCh37 (hg19) VCF-style: chr14-69061942-T-C.
Other names: c.*622T>C (NM_133509.5); c.1037-87712T>C (NM_001321818.2); c.1037-15781T>C (NM_001321821.2); c.1037-7438T>C (NM_001321810.2); c.923-15933T>C (NM_001321815.1).
Identifiers: ClinVar variation 5039785 (VCV005039785.1).